The following is an entry in ClinVar:

NM_022836.4(DCLRE1B):c.1184G>A (p.Arg395Gln)

Gene: DCLRE1B (DNA cross-link repair 1B; plus strand). Cytogenetic location: 1p13.2.
Variant type: single nucleotide variant.
Coding change: c.1184G>A on transcript NM_022836.4 (MANE Select); coding-DNA position 1184, G replaced by A.
Protein change: p.Arg395Gln; replaces arginine 395 with glutamine.
Molecular consequence: missense variant.
Genome position (GRCh38, 1-based): chr1:113,911,776, G>A. VCF-style: chr1-113911776-G-A. GRCh37 (hg19) VCF-style: chr1-114454398-G-A.
Other names: c.1184G>A (NM_022836.3); c.806G>A, p.Arg269Gln (NM_001319946.2, NM_001319947.2, NM_001363691.2); c.1184G>A, p.Arg395Gln (NM_001363690.2); short protein forms R269Q, R395Q.
Identifiers: ClinVar variation 1366071 (VCV001366071.10), dbSNP rs146482651, ClinGen allele CA1016542.

ClinVar aggregate classification (germline): Conflicting classifications of pathogenicity. Review status: criteria provided, conflicting classifications (1 of 4 stars). 3 submissions from 3 submitters: Uncertain significance (1); Likely benign (2). Last evaluated 2026-01-05.

Conditions:
Hoyeraal-Hreidarsson syndrome (HHS). Also called: CEREBELLAR HYPOPLASIA WITH PANCYTOPENIA. Identifiers: Orphanet 3322, MedGen C1846142, MONDO:0018045.
Autosomal recessive dyskeratosis congenita. Identifiers: MedGen C3502105.

Allele frequency attached by ClinVar (database versions not stated): gnomAD exomes 0.00017 and 0.00048; gnomAD 0.00018 and 0.00019; TOPMed 0.00019; ExAC 0.00020; ESP Exome Variant Server 0.00038; 1000 Genomes Project 0.00040; 1000 Genomes Project 30x 0.00094.
gnomAD v4.1: 718 of 1,614,154 alleles (0.044%); highest among the groups gnomAD compares: Middle Eastern, 0.12%; 2 homozygotes.

Submissions (3):

Labcorp Genetics (formerly Invitae), Labcorp
Classification: Uncertain significance for Hoyeraal-Hreidarsson syndrome; Autosomal recessive dyskeratosis congenita. Last evaluated: 2026-01-05. Review status: criteria provided, single submitter. Criteria: Invitae Variant Classification Sherloc (09022015). Collection method: clinical testing. Allele origin: germline.
Comment: This sequence change replaces arginine, which is basic and polar, with glutamine, which is neutral and polar, at codon 395 of the DCLRE1B protein (p.Arg395Gln). This variant is present in population databases (rs146482651, gnomAD 0.02%). This variant has not been reported in the literature in individuals affected with DCLRE1B-related conditions. ClinVar contains an entry for this variant (Variation ID: 1366071). An algorithm developed to predict the effect of missense changes on protein structure and function outputs the following: PolyPhen-2: "Benign". The glutamine amino acid residue is found in multiple mammalian species, which suggests that this missense change does not adversely affect protein function. In summary, the available evidence is currently insufficient to determine the role of this variant in disease. Therefore, it has been classified as a Variant of Uncertain Significance.

Blueprint Genetics
Classification: Likely benign. Last evaluated: 2024-10-11. Review status: criteria provided, single submitter. Criteria: ACMG Guidelines, 2015. Collection method: clinical testing. Allele origin: germline.

Ambry Genetics
Classification: Likely benign. Last evaluated: 2022-10-26. Review status: criteria provided, single submitter. Criteria: Ambry Variant Classification Scheme 2023. Collection method: clinical testing. Allele origin: germline.